The following is an entry in ClinVar:

ClinVar aggregate classification (germline): Uncertain significance. Review status: criteria provided, multiple submitters, no conflicts (2 of 4 stars). 2 submissions from 2 submitters: Uncertain significance (2). Last evaluated 2024-09-24.

Submissions (2):

Women's Health and Genetics/Laboratory Corporation of America, LabCorp
Classification: Uncertain significance. Last evaluated: 2024-09-24. Review status: criteria provided, single submitter. Criteria: LabCorp Variant Classification Summary - May 2015. Collection method: clinical testing. Allele origin: germline.
Comment: Variant summary: HNF1A c.805G>A (p.Ala269Thr) results in a non-conservative amino acid change located in the Homeodomain (IPR001356) of the encoded protein sequence. Five of five in-silico tools predict a damaging effect of the variant on protein function. The variant was absent in 1613648 control chromosomes (gnomAD database v4). The available data on variant occurrences in the general population are insufficient to allow any conclusion about variant significance. To our knowledge, no occurrence of c.805G>A in individuals affected with Maturity Onset Diabetes Of The Young 3 and no experimental evidence demonstrating its impact on protein function have been reported. ClinVar contains an entry for this variant (Variation ID: 499794). Based on the evidence outlined above, the variant was classified as uncertain significance.

Eurofins Ntd Llc (ga)
Classification: Uncertain significance. Last evaluated: 2017-01-12. Review status: criteria provided, single submitter. Criteria: EGL Classification Definitions 2015. Collection method: clinical testing. Allele origin: germline. Observed: 1 variant allele, 1 heterozygote.

NM_000545.8(HNF1A):c.805G>A (p.Ala269Thr)

Gene: HNF1A (HNF1 homeobox A; plus strand). Cytogenetic location: 12q24.31.
Variant type: single nucleotide variant.
Coding change: c.805G>A on transcript NM_000545.8 (MANE Select); coding-DNA position 805, G replaced by A.
Protein change: p.Ala269Thr; replaces alanine 269 with threonine.
Molecular consequence: missense variant.
Genome position (GRCh38, 1-based): chr12:120,994,255, G>A. VCF-style: chr12-120994255-G-A. GRCh37 (hg19) VCF-style: chr12-121432058-G-A.
Other names: c.805G>A, p.Ala269Thr (NM_001306179.2); short protein forms A269T.
Identifiers: ClinVar variation 499794 (VCV000499794.6), dbSNP rs1426548804, ClinGen allele CA386966295.
Genomic context (GRCh38, chr12:120,994,255, plus strand): 5'-TCACAGGCACAGGGGCTGGGCTCCAACCTCGTCACGGAGGTGCGTGTCTACAACTGGTTT[G>A]CCAACCGGCGCAAAGAAGAAGCCTTCCGGCACAAGCTGGCCATGGACACGTACAGCGGGC-3'
Protein context (NP_000536.6, residues 259-279): VTEVRVYNWF[Ala269Thr]NRRKEEAFRH